The following is an entry in ClinVar:

ClinVar aggregate classification (germline): Likely benign (1 of 4 stars; one submission).

Submission:

CeGaT Center for Human Genetics Tuebingen
Classification: Likely benign. Last evaluated: 2023-04-01. Review status: criteria provided, single submitter. Criteria: CeGaT Center For Human Genetics Tuebingen Variant Classification Criteria Version 2. Collection method: clinical testing. Allele origin: germline. Affected: yes. Observed: 1 variant allele.
Comment: CHD7: PM2:Supporting, BP4, BP7

NM_017780.4(CHD7):c.8187C>G (p.Ala2729=)

Gene: CHD7 (chromodomain helicase DNA binding protein 7; plus strand). Cytogenetic location: 8q12.2.
Variant type: single nucleotide variant.
Coding change: c.8187C>G on transcript NM_017780.4 (MANE Select); coding-DNA position 8187, C replaced by G.
Protein change: p.Ala2729=; no amino-acid change (alanine 2729 retained).
Molecular consequence: synonymous variant.
Genome position (GRCh38, 1-based): chr8:60,865,126, C>G. VCF-style: chr8-60865126-C-G. GRCh37 (hg19) VCF-style: chr8-61777685-C-G.
Other names: c.2040C>G, p.Ala680= (NM_001316690.1).
Identifiers: ClinVar variation 2658623 (VCV002658623.24), dbSNP rs1806178855, ClinGen allele CA461105781.
Genomic context (GRCh38, chr8:60,865,126, plus strand): 5'-GCGGGGAGAGGGAGCGAGCAGAAGAGGAAGAAGGCCCAAAAGTGAGATCGCCAGAGCAGC[C>G]GCGGCCGCCGCTGCTGTGGCCTCCACGTCAGGGATCAACCCTTTGCTGGTGAACAGCCTG-3'
Protein context (NP_060250.2, residues 2719-2739): RRPKSEIARA[Ala2729=]AAAAAVASTS